The following is an entry in ClinVar:

NM_001034853.2(RPGR):c.439G>A (p.Ala147Thr)

Gene: RPGR (retinitis pigmentosa GTPase regulator; minus strand). Cytogenetic location: Xp11.4.
Variant type: single nucleotide variant.
Coding change: c.439G>A on transcript NM_001034853.2 (MANE Select); coding-DNA position 439, G replaced by A.
Protein change: p.Ala147Thr; replaces alanine 147 with threonine.
Molecular consequence: missense variant. On other transcripts: non-coding transcript variant (6).
Genome position (GRCh38, 1-based): chrX:38,318,859, C>T on the plus strand (G>A on the coding strand, the complement: RPGR is on the minus strand). VCF-style: chrX-38318859-C-T. GRCh37 (hg19) VCF-style: chrX-38178112-C-T.
Other names: c.439G>A, p.Ala147Thr (NM_000328.3, NM_001367245.1, NM_001367246.1 and 3 more transcripts); c.469G>A, p.Ala157Thr (NM_001367248.1); c.436G>A, p.Ala146Thr (NM_001367249.1); short protein forms A146T, A147T, A157T.
Identifiers: ClinVar variation 2819443 (VCV002819443.3), dbSNP rs2519894515, ClinGen allele CA412745048.

ClinVar aggregate classification (germline): Uncertain significance (1 of 4 stars; one submission).

Conditions:
Primary ciliary dyskinesia. Also called: Ciliary dyskinesia. Identifiers: Orphanet 244, MedGen C0008780, MONDO:0016575, HP:0012265.

Allele frequency attached by ClinVar (database versions not stated): gnomAD exomes below 0.00001.
gnomAD v4.1: 1 of 1,211,636 alleles (0.000083%); highest among the groups gnomAD compares: Non-Finnish European, 0.00011%; no homozygotes.

Submission:

Labcorp Genetics (formerly Invitae), Labcorp
Classification: Uncertain significance for Primary ciliary dyskinesia. Last evaluated: 2022-12-18. Review status: criteria provided, single submitter. Criteria: Invitae Variant Classification Sherloc (09022015). Collection method: clinical testing. Allele origin: germline.
Comment: This variant is not present in population databases (gnomAD no frequency). This sequence change replaces alanine, which is neutral and non-polar, with threonine, which is neutral and polar, at codon 147 of the RPGR protein (p.Ala147Thr). This variant has not been reported in the literature in individuals affected with RPGR-related conditions. Advanced modeling of protein sequence and biophysical properties (such as structural, functional, and spatial information, amino acid conservation, physicochemical variation, residue mobility, and thermodynamic stability) performed at Invitae indicates that this missense variant is expected to disrupt RPGR protein function. In summary, the available evidence is currently insufficient to determine the role of this variant in disease. Therefore, it has been classified as a Variant of Uncertain Significance.